The following is an entry in ClinVar:

ClinVar aggregate classification (germline): Likely pathogenic (1 of 4 stars; one submission).

Submission:

Labcorp Genetics (formerly Invitae), Labcorp
Classification: Likely pathogenic. Last evaluated: 2021-12-01. Review status: criteria provided, single submitter. Criteria: Invitae Variant Classification Sherloc (09022015). Collection method: clinical testing. Allele origin: germline.
Comment: In summary, the currently available evidence indicates that the variant is pathogenic, but additional data are needed to prove that conclusively. Therefore, this variant has been classified as Likely Pathogenic. This variant disrupts the triple helix domain of COL2A1. Glycine residues within the Gly-Xaa-Yaa repeats of the triple helix domain are required for the structure and stability of fibrillar collagens (PMID: 7695699, 8218237, 19344236). In COL2A1, variants affecting these glycine residues are significantly enriched in individuals with disease (PMID: 9016532, 17078022) compared to the general population (ExAC). Algorithms developed to predict the effect of missense changes on protein structure and function are either unavailable or do not agree on the potential impact of this missense change (SIFT: "Deleterious"; PolyPhen-2: "Not Available"; Align-GVGD: "Class C65"). This variant has not been reported in the literature in individuals affected with COL2A1-related conditions. This variant is not present in population databases (gnomAD no frequency). This sequence change replaces glycine, which is neutral and non-polar, with aspartic acid, which is acidic and polar, at codon 309 of the COL2A1 protein (p.Gly309Asp).

Literature cited by the submitters: PubMed 7695699; PubMed 8218237; PubMed 19344236; PubMed 9016532; PubMed 17078022.

NM_001844.5(COL2A1):c.926G>A (p.Gly309Asp)

Gene: COL2A1 (collagen type II alpha 1 chain; minus strand). Cytogenetic location: 12q13.11.
Variant type: single nucleotide variant.
Coding change: c.926G>A on transcript NM_001844.5 (MANE Select); coding-DNA position 926, G replaced by A.
Protein change: p.Gly309Asp; replaces glycine 309 with aspartic acid.
Molecular consequence: missense variant.
Genome position (GRCh38, 1-based): chr12:47,993,501, C>T on the plus strand (G>A on the coding strand, the complement: COL2A1 is on the minus strand). VCF-style: chr12-47993501-C-T. GRCh37 (hg19) VCF-style: chr12-48387284-C-T.
Other names: c.719G>A, p.Gly240Asp (NM_033150.3); short protein forms G240D, G309D.
Identifiers: ClinVar variation 1479399 (VCV001479399.6), dbSNP rs2136608011, ClinGen allele CA384521840.